The following is an entry in ClinVar:

NM_005055.5(RAPSN):c.563A>G (p.Lys188Arg)

Gene: RAPSN (receptor associated protein of the synapse; minus strand). Cytogenetic location: 11p11.2.
Variant type: single nucleotide variant.
Coding change: c.563A>G on transcript NM_005055.5 (MANE Select); coding-DNA position 563, A replaced by G.
Protein change: p.Lys188Arg; replaces lysine 188 with arginine.
Molecular consequence: missense variant.
Genome position (GRCh38, 1-based): chr11:47,442,783, T>C on the plus strand (A>G on the coding strand, the complement: RAPSN is on the minus strand). VCF-style: chr11-47442783-T-C. GRCh37 (hg19) VCF-style: chr11-47464335-T-C.
Other names: c.563A>G, p.Lys188Arg (NM_032645.5); short protein forms K188R.
Identifiers: ClinVar variation 1001795 (VCV001001795.11), dbSNP rs1219888816, ClinGen allele CA380332392.
Genomic context (GRCh38, chr11:47,442,783, plus strand): 5'-CTCATGGCCCGGTACTTCAGGCTCCAGCCTTTGCCATAGTTGTTGACAAGCTCTGCCGCC[T>C]TGCAGGGGAAGAACAGGGCTTTCTCGTAGTCCTGCAGGGGACATGGAATGGAAGGAGGCA-3'
Protein context (NP_005046.2, residues 178-198): DYEKALFFPC[Lys188Arg]AAELVNNYGK

ClinVar aggregate classification (germline): Uncertain significance (1 of 4 stars; one submission).

Conditions:
Congenital myasthenic syndrome 11. Also called: Myasthenic syndrome, congenital, 11, associated with acetylcholine receptor deficiency; MYASTHENIC SYNDROME, CONGENITAL, Ie. Identifiers: Orphanet 590, MedGen C4225367, MONDO:0014588, OMIM 616326.
Fetal akinesia deformation sequence 1 (FADS1). Also called: Fetal akinesia sequence; Pena-Shokeir syndrome type I. Identifiers: Orphanet 994, MedGen C1276035, MONDO:0100101, OMIM 208150, HP:0001989.

Allele frequency attached by ClinVar (database versions not stated): gnomAD exomes below 0.00001.

Submission:

Labcorp Genetics (formerly Invitae), Labcorp
Classification: Uncertain significance for Congenital myasthenic syndrome 11; Fetal akinesia deformation sequence 1. Last evaluated: 2020-01-03. Review status: criteria provided, single submitter. Criteria: Invitae Variant Classification Sherloc (09022015). Collection method: clinical testing. Allele origin: germline.
Comment: In summary, the available evidence is currently insufficient to determine the role of this variant in disease. Therefore, it has been classified as a Variant of Uncertain Significance. Algorithms developed to predict the effect of sequence changes on RNA splicing suggest that this variant may create or strengthen a splice site, but this prediction has not been confirmed by published transcriptional studies. Algorithms developed to predict the effect of missense changes on protein structure and function are either unavailable or do not agree on the potential impact of this missense change (SIFT: "Deleterious"; PolyPhen-2: "Probably Damaging"; Align-GVGD: "Class C0"). This variant has not been reported in the literature in individuals with RAPSN-related conditions. This variant is not present in population databases (ExAC no frequency). This sequence change replaces lysine with arginine at codon 188 of the RAPSN protein (p.Lys188Arg). The lysine residue is highly conserved and there is a small physicochemical difference between lysine and arginine.